The following is an entry in ClinVar:

ClinVar aggregate classification (germline): Likely benign. Review status: criteria provided, multiple submitters, no conflicts (2 of 4 stars). 2 submissions from 2 submitters: Likely benign (2). Last evaluated 2024-10-02.

Conditions:
Familial cancer of breast. Also called: Hereditary breast cancer; BREAST CANCER, FAMILIAL; hereditary breast carcinoma. Identifiers: Orphanet 227535, MedGen C0346153, MONDO:0016419, OMIM 114480. Disease mechanism: loss of function.

Submissions (2):

Myriad Genetics, Inc.
Classification: Likely benign for Familial cancer of breast. Last evaluated: 2024-10-02. Review status: criteria provided, single submitter. Criteria: Myriad Autosomal Dominant, Autosomal Recessive and X-Linked Classification Criteria (2023). Collection method: clinical testing. Allele origin: unknown.
Comment: This variant is considered likely benign. This variant is intronic and is not expected to impact mRNA splicing.

Labcorp Genetics (formerly Invitae), Labcorp
Classification: Likely benign for Familial cancer of breast. Last evaluated: 2024-07-16. Review status: criteria provided, single submitter. Criteria: Invitae Variant Classification Sherloc (09022015). Collection method: clinical testing. Allele origin: germline.

NM_007194.4(CHEK2):c.319+7C>G

Gene: CHEK2 (checkpoint kinase 2; minus strand). Cytogenetic location: 22q12.1.
Variant type: single nucleotide variant.
Coding change: c.319+7C>G on transcript NM_007194.4 (MANE Select); 7 bases into the intron after coding-DNA position 319, C replaced by G.
Molecular consequence: intron variant.
Genome position (GRCh38, 1-based): chr22:28,734,396, G>C on the plus strand (C>G on the coding strand, the complement: CHEK2 is on the minus strand). VCF-style: chr22-28734396-G-C. GRCh37 (hg19) VCF-style: chr22-29130384-G-C.
Other names: c.-345+7373C>G (NM_001437942.1); c.319+7C>G (NM_001349956.3, NM_145862.3, NM_001438295.1 and 3 more transcripts); c.-459+7C>G (NM_001257387.3).
Identifiers: ClinVar variation 415927 (VCV000415927.10), dbSNP rs1057522753, ClinGen allele CA16616594.